The following is an entry in ClinVar:

NM_006230.4(POLD2):c.1082A>C (p.His361Pro)

Gene: POLD2 (DNA polymerase delta 2, accessory subunit; minus strand). Cytogenetic location: 7p13.
Variant type: single nucleotide variant.
Coding change: c.1082A>C on transcript NM_006230.4 (MANE Select); coding-DNA position 1082, A replaced by C.
Protein change: p.His361Pro; replaces histidine 361 with proline.
Molecular consequence: missense variant.
Genome position (GRCh38, 1-based): chr7:44,115,831, T>G on the plus strand (A>C on the coding strand, the complement: POLD2 is on the minus strand). VCF-style: chr7-44115831-T-G. GRCh37 (hg19) VCF-style: chr7-44155430-T-G.
Other names: c.1082A>C, p.His361Pro (NM_001127218.3, NM_001256879.2); short protein forms H361P.
Identifiers: ClinVar variation 4730061 (VCV004730061.1).
Genomic context (GRCh38, chr7:44,115,831, plus strand): 5'-GTGTCAGGGGCTGTGGGGCTGATGTGACGGACCCGCAGGGTCCACTCCAGGATCTCCAAG[T>G]GATCCTCCATGCTGCTGTATCGGAAAATGTCACTCACGTTCTGTCCTGATGTCCCCAAAA-3'
Protein context (NP_006221.3, residues 351-371): DIFRYSSMED[His361Pro]LEILEWTLRV

ClinVar aggregate classification (germline): Uncertain significance (1 of 4 stars; one submission).

Submission:

Labcorp Genetics (formerly Invitae), Labcorp
Classification: Uncertain significance. Last evaluated: 2025-10-27. Review status: criteria provided, single submitter. Criteria: Invitae Variant Classification Sherloc (09022015). Collection method: clinical testing. Allele origin: germline.
Comment: This sequence change replaces histidine, which is basic and polar, with proline, which is neutral and non-polar, at codon 396 of the POLD2 protein (p.His396Pro). This variant is not present in population databases (gnomAD no frequency). This variant has not been reported in the literature in individuals affected with POLD2-related conditions. Experimental studies and prediction algorithms are not available or were not evaluated, and the functional significance of this variant is currently unknown. In summary, the available evidence is currently insufficient to determine the role of this variant in disease. Therefore, it has been classified as a Variant of Uncertain Significance.